The following is an entry in ClinVar:

NM_004168.4(SDHA):c.5C>T (p.Ser2Leu)

Gene: SDHA (succinate dehydrogenase complex flavoprotein subunit A; plus strand). Cytogenetic location: 5p15.33.
Variant type: single nucleotide variant.
Coding change: c.5C>T on transcript NM_004168.4 (MANE Select); coding-DNA position 5, C replaced by T.
Protein change: p.Ser2Leu; replaces serine 2 with leucine.
Molecular consequence: missense variant.
Genome position (GRCh38, 1-based): chr5:218,360, C>T. VCF-style: chr5-218360-C-T. GRCh37 (hg19) VCF-style: chr5-218475-C-T.
Other names: p.Ser2Leu; c.5C>T, p.Ser2Leu (NM_001294332.2, NM_001330758.2); short protein forms S2L.
Identifiers: ClinVar variation 412386 (VCV000412386.27), dbSNP rs780064103, ClinGen allele CA3172677.

ClinVar aggregate classification (germline): Conflicting classifications of pathogenicity. Review status: criteria provided, conflicting classifications (1 of 4 stars). 10 submissions from 8 submitters: Uncertain significance (8); Likely benign (2). Last evaluated 2025-12-09.

Conditions:
Leigh syndrome (NULS). Also called: Leigh Disease; Subacute necrotizing encephalopathy; Necrotizing encephalopathy infantile subacute of Leigh; Leigh's necrotizing encephalopathy; Leigh's disease; LEIGH SYNDROME, NUCLEAR. Identifiers: Orphanet 506, MedGen C2931891, MONDO:0009723, OMIM 256000.
Dilated cardiomyopathy 1GG (CMD1GG). Identifiers: Orphanet 154, MedGen C3150898, MONDO:0013339, OMIM 613642.
Hereditary pheochromocytoma and paraganglioma. Also called: Hereditary paragangliomas and pheochromocytomas; Hereditary Paraganglioma-Pheochromocytoma Syndromes; Hereditary pheochromocytoma-paraganglioma. Identifiers: Orphanet 29072, MedGen C4274332, MONDO:0017366.
Hereditary cancer-predisposing syndrome. Also called: Tumor predisposition; Hereditary neoplastic syndrome; Neoplastic Syndromes, Hereditary; Hereditary Cancer Syndrome. Identifiers: Orphanet 140162, MedGen C0027672, MeSH D009386, MONDO:0015356.
Pheochromocytoma/paraganglioma syndrome 5. Also called: Paragangliomas 5; SDHA-Related Hereditary Paraganglioma-Pheochromocytoma Syndrome. Identifiers: Orphanet 29072, MedGen C3279992, MONDO:0013602, OMIM 614165.
Mitochondrial complex II deficiency, nuclear type 1. Also called: SUCCINATE CoQ REDUCTASE DEFICIENCY. Identifiers: Orphanet 3208, MedGen C5700310, MONDO:0100294, OMIM 252011.

Allele frequency attached by ClinVar (database versions not stated): gnomAD 0.00004 and 0.00003; gnomAD exomes 0.00008 and 0.00004; TOPMed 0.00002; ExAC 0.00003.
gnomAD v4.1: 103 of 1,459,730 alleles (0.0071%); highest among the groups gnomAD compares: Non-Finnish European, 0.0089%; no homozygotes.

Submissions (10):

Mayo Clinic Laboratories, Mayo Clinic
Classification: Uncertain significance. Last evaluated: 2025-12-09. Review status: criteria provided, single submitter. Criteria: ACMG Guidelines, 2015. Collection method: clinical testing. Allele origin: germline. Observed: 1 variant allele.
Comment: BP4_moderate

Labcorp Genetics (formerly Invitae), Labcorp
Classification: Uncertain significance for Pheochromocytoma/paraganglioma syndrome 5; Mitochondrial complex II deficiency, nuclear type 1. Last evaluated: 2025-12-01. Review status: criteria provided, single submitter. Criteria: Invitae Variant Classification Sherloc (09022015). Collection method: clinical testing. Allele origin: germline.
Comment: This sequence change replaces serine, which is neutral and polar, with leucine, which is neutral and non-polar, at codon 2 of the SDHA protein (p.Ser2Leu). The frequency data for this variant in the population databases is considered unreliable, as metrics indicate poor data quality at this position in the gnomAD database. This variant has not been reported in the literature in individuals affected with SDHA-related conditions. ClinVar contains an entry for this variant (Variation ID: 412386). Invitae Evidence Modeling of protein sequence and biophysical properties (such as structural, functional, and spatial information, amino acid conservation, physicochemical variation, residue mobility, and thermodynamic stability) indicates that this missense variant is not expected to disrupt SDHA protein function with a negative predictive value of 95%. In summary, the available evidence is currently insufficient to determine the role of this variant in disease. Therefore, it has been classified as a Variant of Uncertain Significance.

Quest Diagnostics Nichols Institute San Juan Capistrano
Classification: Uncertain significance. Last evaluated: 2025-07-24. Review status: criteria provided, single submitter. Criteria: Quest Diagnostics criteria. Collection method: clinical testing. Allele origin: unknown.
Comment: The SDHA c.5C>T (p.Ser2Leu) variant has not been reported in individuals with SDHA-related conditions in the published literature. The frequency of this variant in the general population (Genome Aggregation Database) is uninformative in the assessment of its pathogenicity. Analysis of this variant using bioinformatics tools for the prediction of the effect of amino acid changes on protein structure and function yielded predictions that this variant is benign. Based on the available information, we are unable to determine the clinical significance of this variant.

Ambry Genetics
Classification: Likely benign for Hereditary cancer-predisposing syndrome. Last evaluated: 2025-07-02. Review status: criteria provided, single submitter. Criteria: Ambry Variant Classification Scheme 2023. Collection method: clinical testing. Allele origin: germline.

GeneDx
Classification: Uncertain significance. Last evaluated: 2024-01-05. Review status: criteria provided, single submitter. Criteria: GeneDx Variant Classification Process June 2021. Collection method: clinical testing. Allele origin: germline.
Comment: Not observed at significant frequency in large population cohorts (gnomAD); In silico analysis supports that this missense variant does not alter protein structure/function; Has not been previously published as pathogenic or benign to our knowledge

Baylor Genetics
Classification: Uncertain significance for Dilated cardiomyopathy 1GG. Last evaluated: 2023-11-27. Review status: criteria provided, single submitter. Criteria: ACMG Guidelines, 2015. Collection method: clinical testing. Allele origin: unknown.

Sema4
Classification: Uncertain significance for Hereditary cancer-predisposing syndrome. Last evaluated: 2021-06-23. Review status: criteria provided, single submitter. Criteria: Sema4 Curation Guidelines. Collection method: curation. Allele origin: germline.
Comment: The SDHA c.5C>T (p.S2L) variant has not been reported in the literature to our knowledge. It was observed in 1/14332 chromosomes of the South Asian subpopulation in the large and broad cohorts of the Genome Aggregation Database (PMID: 32461654) and has been reported in ClinVar (Variation ID 412386). In silico tools suggest the impact of the variant on protein function is inconclusive, though these predictions have not been confirmed by functional studies. The evidence is insufficient to meet ACMG/AMP criteria for classifying the variant as benign or pathogenic. Thus, the clinical significance of this variant is currently uncertain.

Illumina Laboratory Services, Illumina
Classification: Uncertain significance for Mitochondrial complex II deficiency, nuclear type 1. Last evaluated: 2018-01-12. Review status: criteria provided, single submitter. Criteria: ICSL Variant Classification Criteria 13 December 2019. Collection method: clinical testing. Allele origin: germline.

Illumina Laboratory Services, Illumina
Classification: Uncertain significance for Leigh syndrome. Last evaluated: 2018-01-12. Review status: criteria provided, single submitter. Criteria: ICSL Variant Classification Criteria 13 December 2019. Collection method: clinical testing. Allele origin: germline.

Illumina Laboratory Services, Illumina
Classification: Likely benign for Hereditary Paraganglioma-Pheochromocytoma Syndromes. Last evaluated: 2018-01-12. Review status: criteria provided, single submitter. Criteria: ICSL Variant Classification Criteria 13 December 2019. Collection method: clinical testing. Allele origin: germline.
Comment: This variant was observed in the ICSL laboratory as part of a predisposition screen in an ostensibly healthy population. It had not been previously curated by ICSL or reported in the Human Gene Mutation Database (HGMD: prior to June 1st, 2018), and was therefore a candidate for classification through an automated scoring system. Utilizing variant allele frequency, disease prevalence and penetrance estimates, and inheritance mode, an automated score was calculated to assess if this variant is too frequent to cause the disease. Based on the score and internal cut-off values, a variant classified as likely benign is not then subjected to further curation. The score for this variant resulted in a classification of likely benign for this disease.